The following is an entry in ClinVar:

NM_002382.5(MAX):c.37_38del (p.Glu13fs)

Gene: MAX (MYC associated transcriptional regulator X; minus strand). Cytogenetic location: 14q23.3.
Variant type: Deletion.
Coding change: c.37_38del on transcript NM_002382.5 (MANE Select); coding-DNA positions 37 to 38, 2 bases deleted (GA; older notation c.37_38delGA).
Protein change: p.Glu13fs; shifts the reading frame from glutamic acid 13.
Molecular consequence: frameshift variant. On other transcripts: 5 prime UTR variant (4), non-coding transcript variant (7), intron variant (14).
Genome position (GRCh38, 1-based): chr14:65,101,571-65,101,572, TC deleted on the plus strand (GA on the coding strand, the reverse complement: MAX is on the minus strand). VCF-style (leftmost placement, unchanged base first): chr14-65101570-TTC-T. GRCh37 (hg19) VCF-style: chr14-65568288-TTC-T.
Other names: c.-238_-237del (NM_001320415.2, NM_001407105.1, NM_001407106.1); c.37_38del, p.Glu13fs (NM_001407094.1, NM_001407096.1, NM_001407097.1 and 6 more transcripts); c.-331_-330del (NM_001407111.1); c.60_61del, p.Lys21fs (NM_001407114.1); c.36+732_36+733del (NM_001271069.2, NM_001407095.1, NM_001407110.1 and 9 more transcripts); c.-305+937_-305+938del (NM_001407112.1); c.-212+732_-212+733del (NM_001407107.1); short protein forms K21fs, E13fs.
Identifiers: ClinVar variation 2709522 (VCV002709522.3), dbSNP rs2504510600, ClinGen allele CA2697553970.

ClinVar aggregate classification (germline): Pathogenic (1 of 4 stars; one submission).

Conditions:
Hereditary pheochromocytoma and paraganglioma. Also called: Hereditary Paraganglioma-Pheochromocytoma Syndromes; Hereditary pheochromocytoma-paraganglioma; Hereditary paragangliomas and pheochromocytomas. Identifiers: Orphanet 29072, MedGen C4274332, MONDO:0017366.

Submission:

Labcorp Genetics (formerly Invitae), Labcorp
Classification: Pathogenic for Hereditary pheochromocytoma and paraganglioma. Last evaluated: 2024-02-25. Review status: criteria provided, single submitter. Criteria: Invitae Variant Classification Sherloc (09022015). Collection method: clinical testing. Allele origin: germline.
Comment: This sequence change creates a premature translational stop signal (p.Glu13Argfs*10) in the MAX gene. It is expected to result in an absent or disrupted protein product. Loss-of-function variants in MAX are known to be pathogenic (PMID: 21685915, 26070438). This variant is not present in population databases (gnomAD no frequency). This variant has not been reported in the literature in individuals affected with MAX-related conditions. Algorithms developed to predict the effect of sequence changes on RNA splicing suggest that this variant may disrupt the consensus splice site. For these reasons, this variant has been classified as Pathogenic.

Literature cited by the submitters: PubMed 21685915; PubMed 26070438.